The following is an entry in ClinVar:

NM_012275.3(IL36RN):c.4G>T (p.Val2Phe)

Gene: IL36RN (interleukin 36 receptor antagonist; plus strand). Cytogenetic location: 2q14.1.
Variant type: single nucleotide variant.
Coding change: c.4G>T on transcript NM_012275.3 (MANE Select); coding-DNA position 4, G replaced by T.
Protein change: p.Val2Phe; replaces valine 2 with phenylalanine.
Molecular consequence: missense variant.
Genome position (GRCh38, 1-based): chr2:113,059,442, G>T. VCF-style: chr2-113059442-G-T. GRCh37 (hg19) VCF-style: chr2-113817019-G-T.
Other names: p.Val2Phe; c.4G>T, p.Val2Phe (NM_173170.1); short protein forms V2F.
Identifiers: ClinVar variation 3380830 (VCV003380830.1).

ClinVar aggregate classification (germline): Uncertain significance (1 of 4 stars; one submission).

gnomAD v4.1: 20 of 1,613,958 alleles (0.0012%); highest among the groups gnomAD compares: East Asian, 0.0022%; no homozygotes.

Submission:

Mayo Clinic Laboratories, Mayo Clinic
Classification: Uncertain significance. Last evaluated: 2024-05-13. Review status: criteria provided, single submitter. Criteria: ACMG Guidelines, 2015. Collection method: clinical testing. Allele origin: germline. Observed: 1 variant allele.
Comment: BP4, PM2, PM3_supporting

Literature cited by the submitters: PubMed 28603914; PubMed 34176064; PubMed 36645252; PubMed 37414245.